The following is an entry in ClinVar:

NM_000199.5(SGSH):c.734G>T (p.Arg245Leu)

Gene: SGSH (N-sulfoglucosamine sulfohydrolase; minus strand). Cytogenetic location: 17q25.3.
Variant type: single nucleotide variant.
Coding change: c.734G>T on transcript NM_000199.5 (MANE Select); coding-DNA position 734, G replaced by T.
Protein change: p.Arg245Leu; replaces arginine 245 with leucine.
Molecular consequence: missense variant. On other transcripts: non-coding transcript variant (1).
Genome position (GRCh38, 1-based): chr17:80,213,815, C>A on the plus strand (G>T on the coding strand, the complement: SGSH is on the minus strand). VCF-style: chr17-80213815-C-A. GRCh37 (hg19) VCF-style: chr17-78187614-C-A.
Other names: c.734G>T, p.Arg245Leu (NM_001352921.3, NM_001352922.2); c.734G>T (NM_000199.3); short protein forms R245L.
Identifiers: ClinVar variation 198058 (VCV000198058.17), dbSNP rs104894635, ClinGen allele CA246547.

ClinVar aggregate classification (germline): Conflicting classifications of pathogenicity. Review status: criteria provided, conflicting classifications (1 of 4 stars). 4 submissions from 4 submitters: Likely pathogenic (2); Uncertain significance (2). Last evaluated 2026-03-24.

Conditions:
Mucopolysaccharidosis, MPS-III-A (MPS3A). Also called: HEPARAN SULFATE SULFATASE DEFICIENCY; SANFILIPPO SYNDROME A; SULFAMIDASE DEFICIENCY; MUCOPOLYSACCHARIDOSIS, TYPE IIIA, ATTENUATED; Mucopolysaccharidosis type IIIA (Sanfilippo A); MPS IIIA (Sanfilippo Syndrome Type A). Identifiers: Orphanet 581, Orphanet 79269, MedGen C0086647, MONDO:0009655, OMIM 252900.

gnomAD v4.1: 4 of 1,602,702 alleles (0.00025%); highest among the groups gnomAD compares: Admixed American, 0.0017%; no homozygotes.

Submissions (4):

GeneDx
Classification: Likely pathogenic. Last evaluated: 2026-03-24. Review status: criteria provided, single submitter. Criteria: GeneDx Variant Classification Process June 2021. Collection method: clinical testing. Allele origin: germline.
Comment: Not observed at significant frequency in large population cohorts (gnomAD); In silico analysis supports that this missense variant has a deleterious effect on protein structure/function; This variant is associated with the following publications: (PMID: 40804664)

Labcorp Genetics (formerly Invitae), Labcorp
Classification: Likely pathogenic for Mucopolysaccharidosis, MPS-III-A. Last evaluated: 2024-12-19. Review status: criteria provided, single submitter. Criteria: Invitae Variant Classification Sherloc (09022015). Collection method: clinical testing. Allele origin: germline.
Comment: This sequence change replaces arginine, which is basic and polar, with leucine, which is neutral and non-polar, at codon 245 of the SGSH protein (p.Arg245Leu). The frequency data for this variant in the population databases is considered unreliable, as metrics indicate poor data quality at this position in the gnomAD database. This variant has not been reported in the literature in individuals affected with SGSH-related conditions. ClinVar contains an entry for this variant (Variation ID: 198058). Invitae Evidence Modeling of protein sequence and biophysical properties (such as structural, functional, and spatial information, amino acid conservation, physicochemical variation, residue mobility, and thermodynamic stability) indicates that this missense variant is expected to disrupt SGSH protein function with a positive predictive value of 95%. This variant disrupts the p.Arg245 amino acid residue in SGSH. Other variant(s) that disrupt this residue have been determined to be pathogenic (PMID: 9158154, 9700599, 10601282, 15146460). This suggests that this residue is clinically significant, and that variants that disrupt this residue are likely to be disease-causing. In summary, the currently available evidence indicates that the variant is pathogenic, but additional data are needed to prove that conclusively. Therefore, this variant has been classified as Likely Pathogenic.

Genome-Nilou Lab
Classification: Uncertain significance for Mucopolysaccharidosis, MPS-III-A. Last evaluated: 2021-11-07. Review status: criteria provided, single submitter. Criteria: ACMG Guidelines, 2015. Collection method: clinical testing. Allele origin: germline. Affected: no.

Eurofins Ntd Llc (ga)
Classification: Uncertain significance. Last evaluated: 2015-05-06. Review status: criteria provided, single submitter. Criteria: EGL Classification Definitions 2015. Collection method: clinical testing. Allele origin: germline. Observed: 1 variant allele, 1 homozygote.

Literature cited by the submitters: PubMed 9158154 (cited by Labcorp Genetics (formerly Invitae), Labcorp); PubMed 9700599 (cited by Labcorp Genetics (formerly Invitae), Labcorp); PubMed 10601282 (cited by Labcorp Genetics (formerly Invitae), Labcorp); PubMed 15146460 (cited by Labcorp Genetics (formerly Invitae), Labcorp).